The following is an entry in ClinVar:

NM_002474.3(MYH11):c.3651+7_3651+11del

Gene: MYH11 (myosin heavy chain 11; minus strand). Cytogenetic location: 16p13.11.
Variant type: Deletion.
Coding change: c.3651+7_3651+11del on transcript NM_002474.3 (MANE Select); bases 7 to 11 of the intron after coding-DNA position 3651, 5 bases deleted (CTTTT; older notation c.3651+7_3651+11delCTTTT).
Molecular consequence: intron variant.
Genome position (GRCh38, 1-based): chr16:15,732,553-15,732,557, AAAAG deleted on the plus strand (CTTTT on the coding strand, the reverse complement: MYH11 is on the minus strand). VCF-style (leftmost placement, unchanged base first): chr16-15732552-AAAAAG-A. GRCh37 (hg19) VCF-style: chr16-15826409-AAAAAG-A.
Other names: p.?; c.3651+7_3651+11del (NM_002474.2, NM_022844.3); c.3672+7_3672+11del (NM_001040114.2, NM_001040113.2); c.3672+7_3672+11del5 (NM_001040113.1).
Identifiers: ClinVar variation 465727 (VCV000465727.16), dbSNP rs369806813, ClinGen allele CA7921942.

ClinVar aggregate classification (germline): Benign/Likely benign. Review status: criteria provided, multiple submitters, no conflicts (2 of 4 stars). 6 submissions from 6 submitters: Benign (3); Likely benign (2). 1 of the submissions does not count toward it. Last evaluated 2026-03-27.

Conditions:
MYH11-related disorder. Also called: MYH11-related condition.
Aortic aneurysm, familial thoracic 4 (AAT4). Also called: AORTIC ANEURYSM/AORTIC DISSECTION AND PATENT DUCTUS ARTERIOSUS. Identifiers: MedGen C1851504, MONDO:0007568, OMIM 132900.

Allele frequency attached by ClinVar (database versions not stated): gnomAD exomes 0.00101; ExAC 0.00222; 1000 Genomes Project 0.01278; 1000 Genomes Project 30x 0.01280; gnomAD 0.01163 and 0.01081.

Submissions (6):

Molecular Diagnostic Laboratory for Inherited Cardiovascular Disease, Montreal Heart Institute
Classification: Likely benign. Last evaluated: 2026-03-27. Review status: criteria provided, single submitter. Criteria: ACMG Guidelines, 2015. Collection method: clinical testing. Allele origin: germline. Affected: no.
Comment: BS1

Labcorp Genetics (formerly Invitae), Labcorp
Classification: Likely benign for Aortic aneurysm, familial thoracic 4. Last evaluated: 2026-01-15. Review status: criteria provided, single submitter. Criteria: Invitae Variant Classification Sherloc (09022015). Collection method: clinical testing. Allele origin: germline.

Mayo Clinic Laboratories, Mayo Clinic
Classification: Benign. Last evaluated: 2022-09-20. Review status: criteria provided, single submitter. Criteria: ACMG Guidelines, 2015. Collection method: clinical testing. Allele origin: germline. Observed: 11 variant alleles.
Comment: BS1, BS2, BP4, BP7

Women's Health and Genetics/Laboratory Corporation of America, LabCorp
Classification: Benign. Last evaluated: 2017-08-22. Review status: criteria provided, single submitter. Criteria: LabCorp Variant Classification Summary - May 2015. Collection method: clinical testing. Allele origin: germline.
Comment: Variant summary: The MYH11 c.3672+7_3672+11delCTTTT variant involves the deletion of a string of four intronic nucleotides. One in silico tool predicts a benign outcome for this variant. 4/5 splice prediction tools predict no significant impact on normal splicing. However, these predictions have yet to be confirmed by functional studies. This variant was found in 269/121398 control chromosomes (7 homozygotes) at a frequency of 0.0022159, which is approximately 1773 times the estimated maximal expected allele frequency of a pathogenic MYH11 variant (0.0000013), suggesting this variant is likely a benign polymorphism. The variant of interest has not, to our knowledge, been reported in affected individuals via publications and/or reputable databases/clinical diagnostic laboratories; nor evaluated for functional impact by in vivo/vitro studies. Taken together, this variant is classified as benign.

GeneDx
Classification: Benign. Last evaluated: 2015-03-03. Review status: criteria provided, single submitter. Criteria: GeneDx Variant Classification Process June 2021. Collection method: clinical testing. Allele origin: germline. Affected: yes.

PreventionGenetics, part of Exact Sciences
Classification: Benign for MYH11-related condition. Last evaluated: 2019-02-19. Review status: no assertion criteria provided. Collection method: clinical testing. Allele origin: germline. Not counted in ClinVar's aggregate classification.
Comment: This variant is classified as benign based on ACMG/AMP sequence variant interpretation guidelines (Richards et al. 2015 PMID: 25741868, with internal and published modifications).